The following is an entry in ClinVar:

ClinVar aggregate classification (germline): Uncertain significance. Review status: criteria provided, multiple submitters, no conflicts (2 of 4 stars). 2 submissions from 2 submitters: Uncertain significance (2). Last evaluated 2025-04-09.

Submissions (2):

GeneDx
Classification: Uncertain significance. Last evaluated: 2025-04-09. Review status: criteria provided, single submitter. Criteria: GeneDx Variant Classification Process June 2021. Collection method: clinical testing. Allele origin: germline. Affected: yes.
Comment: Not observed at significant frequency in large population cohorts (gnomAD); In silico analysis supports that this missense variant has a deleterious effect on protein structure/function; Has not been previously published as pathogenic or benign to our knowledge

Labcorp Genetics (formerly Invitae), Labcorp
Classification: Uncertain significance. Last evaluated: 2022-06-01. Review status: criteria provided, single submitter. Criteria: Invitae Variant Classification Sherloc (09022015). Collection method: clinical testing. Allele origin: germline.
Comment: This sequence change replaces arginine, which is basic and polar, with proline, which is neutral and non-polar, at codon 630 of the LZTR1 protein (p.Arg630Pro). This variant is not present in population databases (gnomAD no frequency). This missense change has been observed in individual(s) with clinical features of autosomal recessive Noonan syndrome (Invitae). Algorithms developed to predict the effect of missense changes on protein structure and function are either unavailable or do not agree on the potential impact of this missense change (SIFT: "Deleterious"; PolyPhen-2: "Probably Damaging"; Align-GVGD: "Class C0"). In summary, the available evidence is currently insufficient to determine the role of this variant in disease. Therefore, it has been classified as a Variant of Uncertain Significance.

NM_006767.4(LZTR1):c.1889G>C (p.Arg630Pro)

Gene: LZTR1 (leucine zipper like post translational regulator 1; plus strand). Cytogenetic location: 22q11.21.
Variant type: single nucleotide variant.
Coding change: c.1889G>C on transcript NM_006767.4 (MANE Select); coding-DNA position 1889, G replaced by C.
Protein change: p.Arg630Pro; replaces arginine 630 with proline.
Molecular consequence: missense variant.
Genome position (GRCh38, 1-based): chr22:20,994,973, G>C. VCF-style: chr22-20994973-G-C. GRCh37 (hg19) VCF-style: chr22-21349262-G-C.
Other names: c.1889G>C (NM_006767.3); short protein forms R630P.
Identifiers: ClinVar variation 2110544 (VCV002110544.5), dbSNP rs781776791, ClinGen allele CA410778669.